The following is an entry in ClinVar:

NM_001384140.1(PCDH15):c.1892T>C (p.Val631Ala)

Gene: PCDH15 (protocadherin related 15; minus strand). Cytogenetic location: 10q21.1.
Variant type: single nucleotide variant.
Coding change: c.1892T>C on transcript NM_001384140.1 (MANE Select); coding-DNA position 1892, T replaced by C.
Protein change: p.Val631Ala; replaces valine 631 with alanine.
Molecular consequence: missense variant. On other transcripts: intron variant (1).
Genome position (GRCh38, 1-based): chr10:54,132,900, A>G on the plus strand (T>C on the coding strand, the complement: PCDH15 is on the minus strand). VCF-style: chr10-54132900-A-G. GRCh37 (hg19) VCF-style: chr10-55892660-A-G.
Other names: c.1907T>C, p.Val636Ala (NM_001142763.2, NM_001142771.2); c.1892T>C, p.Val631Ala (NM_001142764.2, NM_001142766.2, NM_001142770.3 and 5 more transcripts); c.1781T>C, p.Val594Ala (NM_001142767.2); c.1826T>C, p.Val609Ala (NM_001142768.2, NM_001142773.2, NM_001354404.2); c.1928T>C, p.Val643Ala (NM_001142769.4); c.1913T>C, p.Val638Ala (NM_001354411.2); c.1784+20200T>C (NM_001142765.2); short protein forms V609A, V638A, V643A, V594A, V631A, V636A.
Identifiers: ClinVar variation 1964957 (VCV001964957.5), dbSNP rs2042563715, ClinGen allele CA376514854.

ClinVar aggregate classification (germline): Uncertain significance (1 of 4 stars; one submission).

Allele frequency attached by ClinVar (database versions not stated): TOPMed below 0.00001.
gnomAD v4.1: 1 of 1,613,598 alleles (0.000062%); no homozygotes.

Submission:

Labcorp Genetics (formerly Invitae), Labcorp
Classification: Uncertain significance. Last evaluated: 2024-10-07. Review status: criteria provided, single submitter. Criteria: Invitae Variant Classification Sherloc (09022015). Collection method: clinical testing. Allele origin: germline.
Comment: This sequence change replaces valine, which is neutral and non-polar, with alanine, which is neutral and non-polar, at codon 631 of the PCDH15 protein (p.Val631Ala). This variant is not present in population databases (gnomAD no frequency). This variant has not been reported in the literature in individuals affected with PCDH15-related conditions. ClinVar contains an entry for this variant (Variation ID: 1964957). Invitae Evidence Modeling of protein sequence and biophysical properties (such as structural, functional, and spatial information, amino acid conservation, physicochemical variation, residue mobility, and thermodynamic stability) indicates that this missense variant is not expected to disrupt PCDH15 protein function with a negative predictive value of 95%. In summary, the available evidence is currently insufficient to determine the role of this variant in disease. Therefore, it has been classified as a Variant of Uncertain Significance.